The following is an entry in ClinVar:

ClinVar aggregate classification (germline): Uncertain significance (1 of 4 stars; one submission).

Conditions:
Ataxia-telangiectasia syndrome (AT). Also called: Ataxia-telangiectasia, complementation group D; AT, COMPLEMENTATION GROUP C; ATAXIA-TELANGIECTASIA, COMPLEMENTATION GROUP A; ATAXIA-TELANGIECTASIA, FRESNO VARIANT; Ataxia-telangiectasia, complementation group E; LOUIS-BAR SYNDROME. Identifiers: Orphanet 100, MedGen C0004135, MONDO:0008840, OMIM 208900.

Submission:

Labcorp Genetics (formerly Invitae), Labcorp
Classification: Uncertain significance for Ataxia-telangiectasia syndrome. Last evaluated: 2022-06-10. Review status: criteria provided, single submitter. Criteria: Invitae Variant Classification Sherloc (09022015). Collection method: clinical testing. Allele origin: germline.
Comment: In summary, the available evidence is currently insufficient to determine the role of this variant in disease. Therefore, it has been classified as a Variant of Uncertain Significance. Algorithms developed to predict the effect of missense changes on protein structure and function are either unavailable or do not agree on the potential impact of this missense change (SIFT: "Deleterious"; PolyPhen-2: "Benign"; Align-GVGD: "Class C35"). This variant has not been reported in the literature in individuals affected with ATM-related conditions. This variant is not present in population databases (gnomAD no frequency). This sequence change replaces arginine, which is basic and polar, with serine, which is neutral and polar, at codon 2582 of the ATM protein (p.Arg2582Ser).

NM_000051.4(ATM):c.7746A>T (p.Arg2582Ser)

Genes: ATM (ATM serine/threonine kinase; plus strand), C11orf65 (chromosome 11 open reading frame 65; minus strand). Cytogenetic location: 11q22.3.
Variant type: single nucleotide variant.
Coding change: c.7746A>T on transcript NM_000051.4 (MANE Select); coding-DNA position 7746, A replaced by T.
Protein change: p.Arg2582Ser; replaces arginine 2582 with serine.
Molecular consequence: missense variant. On other transcripts: intron variant (2).
Genome position (GRCh38, 1-based): chr11:108,331,995, A>T. VCF-style: chr11-108331995-A-T. GRCh37 (hg19) VCF-style: chr11-108202722-A-T.
Other names: c.7746A>T, p.Arg2582Ser (NM_001351834.2); c.641-22924T>A (NM_001330368.2); c.*38+3225T>A (NM_001351110.2); short protein forms R2582S.
Identifiers: ClinVar variation 1929997 (VCV001929997.4), dbSNP rs1321640172, ClinGen allele CA382561134.